The following is an entry in ClinVar:

NM_004974.4(KCNA2):c.587A>G (p.His196Arg)

Gene: KCNA2 (potassium voltage-gated channel subfamily A member 2; minus strand). Cytogenetic location: 1p13.3.
Variant type: single nucleotide variant.
Coding change: c.587A>G on transcript NM_004974.4 (MANE Select); coding-DNA position 587, A replaced by G.
Protein change: p.His196Arg; replaces histidine 196 with arginine.
Molecular consequence: missense variant.
Genome position (GRCh38, 1-based): chr1:110,604,196, T>C on the plus strand (A>G on the coding strand, the complement: KCNA2 is on the minus strand). VCF-style: chr1-110604196-T-C. GRCh37 (hg19) VCF-style: chr1-111146818-T-C.
Other names: c.587A>G, p.His196Arg (NM_001204269.2); short protein forms H196R.
Identifiers: ClinVar variation 1960391 (VCV001960391.4), dbSNP rs980579179, ClinGen allele CA28808997.

ClinVar aggregate classification (germline): Uncertain significance (1 of 4 stars; one submission).

Conditions:
Developmental and epileptic encephalopathy, 32 (DEE32). Also called: Epileptic encephalopathy, early infantile, 32. Identifiers: Orphanet 442835, MedGen C4225350, MONDO:0014607, OMIM 616366.

Allele frequency attached by ClinVar (database versions not stated): gnomAD exomes 0.00001.
gnomAD v4.1: 22 of 1,614,216 alleles (0.0014%); highest among the groups gnomAD compares: Non-Finnish European, 0.0017%; no homozygotes.

Submission:

Labcorp Genetics (formerly Invitae), Labcorp
Classification: Uncertain significance for Developmental and epileptic encephalopathy, 32. Last evaluated: 2024-09-23. Review status: criteria provided, single submitter. Criteria: Invitae Variant Classification Sherloc (09022015). Collection method: clinical testing. Allele origin: germline.
Comment: This sequence change replaces histidine, which is basic and polar, with arginine, which is basic and polar, at codon 196 of the KCNA2 protein (p.His196Arg). This variant is not present in population databases (gnomAD no frequency). This variant has not been reported in the literature in individuals affected with KCNA2-related conditions. ClinVar contains an entry for this variant (Variation ID: 1960391). Invitae Evidence Modeling of protein sequence and biophysical properties (such as structural, functional, and spatial information, amino acid conservation, physicochemical variation, residue mobility, and thermodynamic stability) indicates that this missense variant is not expected to disrupt KCNA2 protein function with a negative predictive value of 95%. In summary, the available evidence is currently insufficient to determine the role of this variant in disease. Therefore, it has been classified as a Variant of Uncertain Significance.